The following is an entry in ClinVar:

ClinVar aggregate classification (germline): Benign/Likely benign. Review status: criteria provided, multiple submitters, no conflicts (2 of 4 stars). 4 submissions from 4 submitters: Benign (2); Likely benign (2). Last evaluated 2025-12-09.

Conditions:
Facioscapulohumeral muscular dystrophy 2 (FSHD2). Also called: MUSCULAR DYSTROPHY, FACIOSCAPULOHUMERAL, TYPE 1B; FSHD2, DIGENIC; FACIOSCAPULOHUMERAL MUSCULAR DYSTROPHY 2, DIGENIC. Identifiers: Orphanet 269, MedGen C1834671, MONDO:0008031, OMIM 158901.

Allele frequency attached by ClinVar (database versions not stated): gnomAD 0.00001 and 0.00024; TOPMed 0.00002; ExAC 0.00109; 1000 Genomes Project 0.00200; 1000 Genomes Project 30x 0.00203.
gnomAD v4.1: 593 of 1,551,434 alleles (0.038%); highest among the groups gnomAD compares: South Asian, 0.69%; 8 homozygotes.

Submissions (4):

Labcorp Genetics (formerly Invitae), Labcorp
Classification: Benign for Facioscapulohumeral muscular dystrophy 2. Last evaluated: 2025-12-09. Review status: criteria provided, single submitter. Criteria: Invitae Variant Classification Sherloc (09022015). Collection method: clinical testing. Allele origin: germline.

Blueprint Genetics
Classification: Likely benign. Last evaluated: 2024-02-12. Review status: criteria provided, single submitter. Criteria: ACMG Guidelines, 2015. Collection method: clinical testing. Allele origin: germline.

CeGaT Center for Human Genetics Tuebingen
Classification: Likely benign. Last evaluated: 2023-03-01. Review status: criteria provided, single submitter. Criteria: CeGaT Center For Human Genetics Tuebingen Variant Classification Criteria Version 2. Collection method: clinical testing. Allele origin: germline. Affected: yes. Observed: 1 variant allele.
Comment: SMCHD1: BP4, BS2

Eurofins Ntd Llc (ga)
Classification: Benign. Last evaluated: 2017-03-03. Review status: criteria provided, single submitter. Criteria: EGL Classification Definitions 2015. Collection method: clinical testing. Allele origin: germline. Observed: 1 variant allele, 1 heterozygote.

NM_015295.3(SMCHD1):c.3519A>G (p.Ile1173Met)

Gene: SMCHD1 (structural maintenance of chromosomes flexible hinge domain containing 1; plus strand). Cytogenetic location: 18p11.32.
Variant type: single nucleotide variant.
Coding change: c.3519A>G on transcript NM_015295.3 (MANE Select); coding-DNA position 3519, A replaced by G.
Protein change: p.Ile1173Met; replaces isoleucine 1173 with methionine.
Molecular consequence: missense variant.
Genome position (GRCh38, 1-based): chr18:2,740,707, A>G. VCF-style: chr18-2740707-A-G. GRCh37 (hg19) VCF-style: chr18-2740705-A-G.
Other names: short protein forms I1173M.
Identifiers: ClinVar variation 500657 (VCV000500657.42), dbSNP rs536643888, ClinGen allele CA8871234.
Genomic context (GRCh38, chr18:2,740,707, plus strand): 5'-ATATTTATATCTTCTATTAAAAGATAATACTAAAATAAAACTTCCCCCTTTTTTAGTTAT[A>G]ATAATTACAGATCAGTACGGAAATCAGATTCAAGCATTTTCACCAAGTTCTTTATCTTCT-3'
Protein context (NP_056110.2, residues 1163-1183): MGQELQGEVV[Ile1173Met]IITDQYGNQI